The following is an entry in ClinVar:

NM_004168.4(SDHA):c.1183G>T (p.Val395Phe)

Gene: SDHA (succinate dehydrogenase complex flavoprotein subunit A; plus strand). Cytogenetic location: 5p15.33.
Variant type: single nucleotide variant.
Coding change: c.1183G>T on transcript NM_004168.4 (MANE Select); coding-DNA position 1183, G replaced by T.
Protein change: p.Val395Phe; replaces valine 395 with phenylalanine.
Molecular consequence: missense variant.
Genome position (GRCh38, 1-based): chr5:235,262, G>T. VCF-style: chr5-235262-G-T. GRCh37 (hg19) VCF-style: chr5-235377-G-T.
Other names: c.1039G>T, p.Val347Phe (NM_001294332.2); c.1183G>T, p.Val395Phe (NM_001330758.2); short protein forms V395F, V347F.
Identifiers: ClinVar variation 472305 (VCV000472305.13), dbSNP rs748683825, ClinGen allele CA359013622.
Genomic context (GRCh38, chr5:235,262, plus strand): 5'-CAGCTGGCCACGCGCCTGCCTGGCATTTCAGAGACAGCCATGATCTTCGCTGGCGTGGAC[G>T]TCACGAAGGAGCCGATCCCTGTCCTCCCCACCGTGCATTATAACATGGGCGGCATTCCCA-3'
Protein context (NP_004159.2, residues 385-405): ETAMIFAGVD[Val395Phe]TKEPIPVLPT

ClinVar aggregate classification (germline): Uncertain significance. Review status: criteria provided, multiple submitters, no conflicts (2 of 4 stars). 2 submissions from 2 submitters: Uncertain significance (2). Last evaluated 2025-05-25.

Conditions:
Mitochondrial complex II deficiency, nuclear type 1. Also called: SUCCINATE CoQ REDUCTASE DEFICIENCY. Identifiers: Orphanet 3208, MedGen C5700310, MONDO:0100294, OMIM 252011.
Pheochromocytoma/paraganglioma syndrome 5. Also called: Paragangliomas 5; SDHA-Related Hereditary Paraganglioma-Pheochromocytoma Syndrome. Identifiers: Orphanet 29072, MedGen C3279992, MONDO:0013602, OMIM 614165.
Hereditary cancer-predisposing syndrome. Also called: Neoplastic Syndromes, Hereditary; Hereditary Cancer Syndrome; Hereditary neoplastic syndrome; Tumor predisposition. Identifiers: Orphanet 140162, MedGen C0027672, MeSH D009386, MONDO:0015356.

Allele frequency attached by ClinVar (database versions not stated): gnomAD 0.00006.
gnomAD v4.1: 4 of 1,614,044 alleles (0.00025%); highest among the groups gnomAD compares: Non-Finnish European, 0.00034%; no homozygotes.

Submissions (2):

Labcorp Genetics (formerly Invitae), Labcorp
Classification: Uncertain significance for Pheochromocytoma/paraganglioma syndrome 5; Mitochondrial complex II deficiency, nuclear type 1. Last evaluated: 2025-05-25. Review status: criteria provided, single submitter. Criteria: Invitae Variant Classification Sherloc (09022015). Collection method: clinical testing. Allele origin: germline.
Comment: This sequence change replaces valine, which is neutral and non-polar, with phenylalanine, which is neutral and non-polar, at codon 395 of the SDHA protein (p.Val395Phe). This variant is present in population databases (no rsID available, gnomAD 0.01%). This variant has not been reported in the literature in individuals affected with SDHA-related conditions. ClinVar contains an entry for this variant (Variation ID: 472305). Invitae Evidence Modeling of protein sequence and biophysical properties (such as structural, functional, and spatial information, amino acid conservation, physicochemical variation, residue mobility, and thermodynamic stability) indicates that this missense variant is not expected to disrupt SDHA protein function with a negative predictive value of 95%. In summary, the available evidence is currently insufficient to determine the role of this variant in disease. Therefore, it has been classified as a Variant of Uncertain Significance.

Ambry Genetics
Classification: Uncertain significance for Hereditary cancer-predisposing syndrome. Last evaluated: 2024-03-07. Review status: criteria provided, single submitter. Criteria: Ambry Variant Classification Scheme 2023. Collection method: clinical testing. Allele origin: germline.
Comment: The p.V395F variant (also known as c.1183G>T), located in coding exon 9 of the SDHA gene, results from a G to T substitution at nucleotide position 1183. The valine at codon 395 is replaced by phenylalanine, an amino acid with highly similar properties. This amino acid position is conserved. In addition, the in silico prediction for this alteration is inconclusive. Since supporting evidence is limited at this time, the clinical significance of this alteration remains unclear.